The following is an entry in ClinVar:

NM_004360.5(CDH1):c.666A>G (p.Arg222=)

Gene: CDH1 (cadherin 1; plus strand). Cytogenetic location: 16q22.1.
Variant type: single nucleotide variant.
Coding change: c.666A>G on transcript NM_004360.5 (MANE Select); coding-DNA position 666, A replaced by G.
Protein change: p.Arg222=; no amino-acid change (arginine 222 retained).
Molecular consequence: synonymous variant. On other transcripts: 5 prime UTR variant (2).
Genome position (GRCh38, 1-based): chr16:68,808,827, A>G. VCF-style: chr16-68808827-A-G. GRCh37 (hg19) VCF-style: chr16-68842730-A-G.
Other names: c.666A>G, p.Arg222= (NM_001317184.2); c.-950A>G (NM_001317185.2); c.-1154A>G (NM_001317186.2).
Identifiers: ClinVar variation 3379331 (VCV003379331.1).

ClinVar aggregate classification (germline): Benign (1 of 4 stars; one submission).

Conditions:
Hereditary diffuse gastric adenocarcinoma (HDGC). Also called: DIFFUSE GASTRIC AND LOBULAR BREAST CANCER SYNDROME. Identifiers: Orphanet 26106, MedGen C1708349, MONDO:0007648, OMIM 137215.

Submission:

Myriad Genetics, Inc.
Classification: Benign for Hereditary diffuse gastric adenocarcinoma. Last evaluated: 2024-09-13. Review status: criteria provided, single submitter. Criteria: Myriad Autosomal Dominant, Autosomal Recessive and X-Linked Classification Criteria (2023). Collection method: clinical testing. Allele origin: unknown.
Comment: This variant is considered benign. This variant is a silent/synonymous amino acid change and it is not expected to impact splicing.